The following is an entry in ClinVar:

ClinVar aggregate classification (germline): Uncertain significance (1 of 4 stars; one submission).

Submission:

Labcorp Genetics (formerly Invitae), Labcorp
Classification: Uncertain significance. Last evaluated: 2023-03-30. Review status: criteria provided, single submitter. Criteria: Invitae Variant Classification Sherloc (09022015). Collection method: clinical testing. Allele origin: germline.
Comment: In summary, the available evidence is currently insufficient to determine the role of this variant in disease. Therefore, it has been classified as a Variant of Uncertain Significance. Advanced modeling of protein sequence and biophysical properties (such as structural, functional, and spatial information, amino acid conservation, physicochemical variation, residue mobility, and thermodynamic stability) performed at Invitae indicates that this missense variant is not expected to disrupt FAT4 protein function. This variant has not been reported in the literature in individuals affected with FAT4-related conditions. This variant is not present in population databases (gnomAD no frequency). This sequence change replaces threonine, which is neutral and polar, with alanine, which is neutral and non-polar, at codon 2138 of the FAT4 protein (p.Thr2138Ala).

NM_001291303.3(FAT4):c.6412A>G (p.Thr2138Ala)

Gene: FAT4 (FAT atypical cadherin 4; plus strand). Cytogenetic location: 4q28.1.
Variant type: single nucleotide variant.
Coding change: c.6412A>G on transcript NM_001291303.3 (MANE Select); coding-DNA position 6412, A replaced by G.
Protein change: p.Thr2138Ala; replaces threonine 2138 with alanine.
Molecular consequence: missense variant.
Genome position (GRCh38, 1-based): chr4:125,415,375, A>G. VCF-style: chr4-125415375-A-G. GRCh37 (hg19) VCF-style: chr4-126336530-A-G.
Other names: c.6412A>G, p.Thr2138Ala (NM_001291285.3, NM_024582.6); short protein forms T2138A.
Identifiers: ClinVar variation 2846646 (VCV002846646.3), dbSNP rs2530780927, ClinGen allele CA358129379.